The following is an entry in ClinVar:

ClinVar aggregate classification (germline): Conflicting classifications of pathogenicity. Review status: criteria provided, conflicting classifications (1 of 4 stars). 6 submissions from 6 submitters: Uncertain significance (5); Likely benign (1). Last evaluated 2026-08-11.

Conditions:
ANKRD26-related disorder. Also called: ANKRD26-related condition.
Inborn genetic diseases. Identifiers: MedGen C0950123, MeSH D030342.

Allele frequency attached by ClinVar (database versions not stated): ExAC 0.00005; gnomAD exomes 0.00005 and 0.00006; TOPMed 0.00005; ESP Exome Variant Server 0.00016; gnomAD 0.00002.

Submissions (6):

PreventionGenetics, part of Exact Sciences
Classification: Uncertain significance for ANKRD26-related condition. Last evaluated: 2026-08-11. Review status: criteria provided, single submitter. Criteria: ACMG Guidelines, 2015. Collection method: clinical testing. Allele origin: germline.
Comment: The ANKRD26 c.112C>T variant is predicted to result in the amino acid substitution p.Pro38Ser. To our knowledge, this variant has not been reported in the literature. This variant is reported in 0.0098% of alleles in individuals of European (Non-Finnish) descent in gnomAD. At this time, the clinical significance of this variant is uncertain due to the absence of conclusive functional and genetic evidence.

Labcorp Genetics (formerly Invitae), Labcorp
Classification: Uncertain significance. Last evaluated: 2025-12-26. Review status: criteria provided, single submitter. Criteria: Invitae Variant Classification Sherloc (09022015). Collection method: clinical testing. Allele origin: germline.
Comment: This sequence change replaces proline, which is neutral and non-polar, with serine, which is neutral and polar, at codon 38 of the ANKRD26 protein (p.Pro38Ser). This variant is present in population databases (rs374871257, gnomAD 0.009%). This variant has not been reported in the literature in individuals affected with ANKRD26-related conditions. ClinVar contains an entry for this variant (Variation ID: 450395). An algorithm developed to predict the effect of missense changes on protein structure and function outputs the following: PolyPhen-2: "Benign". The serine amino acid residue is found in multiple mammalian species, which suggests that this missense change does not adversely affect protein function. In summary, the available evidence is currently insufficient to determine the role of this variant in disease. Therefore, it has been classified as a Variant of Uncertain Significance.

Ambry Genetics
Classification: Uncertain significance for Inborn genetic diseases. Last evaluated: 2025-09-04. Review status: criteria provided, single submitter. Criteria: Ambry Variant Classification Scheme 2023. Collection method: clinical testing. Allele origin: germline.

Blueprint Genetics
Classification: Likely benign. Last evaluated: 2024-11-19. Review status: criteria provided, single submitter. Criteria: ACMG Guidelines, 2015. Collection method: clinical testing. Allele origin: germline.

GeneDx
Classification: Uncertain significance. Last evaluated: 2024-09-01. Review status: criteria provided, single submitter. Criteria: GeneDx Variant Classification Process June 2021. Collection method: clinical testing. Allele origin: germline. Affected: yes.
Comment: In silico analysis supports that this missense variant has a deleterious effect on protein structure/function; Has not been previously published as pathogenic or benign to our knowledge

Genetic Services Laboratory, University of Chicago
Classification: Uncertain significance. Last evaluated: 2020-08-25. Review status: criteria provided, single submitter. Criteria: ACMG Guidelines, 2015. Collection method: clinical testing. Allele origin: germline. Affected: no.
Comment: DNA sequence analysis of the ANKRD26 gene demonstrated a sequence change, c.112C>T, in exon 1 that results in an amino acid change, p.Pro38Ser. This sequence change does not appear to have been previously described in patients with ANKRD26-related disorders and has been described in the gnomAD database with a frequency of 0.0098% in the European sub-population (dbSNP rs374871257). The p.Pro38Ser change affects a poorly conserved amino acid residue located in a domain of the ANKRD26 protein that is not known to be functional. The p.Pro38Ser substitution appears to be benign using several in-silico pathogenicity prediction tools (SIFT, PolyPhen2, Align GVGD, REVEL). Due to these contrasting evidences and the lack of functional studies, the clinical significance of the p.Pro38Ser change remains unknown at this time.

NM_014915.3(ANKRD26):c.112C>T (p.Pro38Ser)

Genes: ANKRD26 (ankyrin repeat domain 26; minus strand), LOC130003554 (ATAC-STARR-seq lymphoblastoid silent region 2243; plus strand). Cytogenetic location: 10p12.1.
Variant type: single nucleotide variant.
Coding change: c.112C>T on transcript NM_014915.3 (MANE Select); coding-DNA position 112, C replaced by T.
Protein change: p.Pro38Ser; replaces proline 38 with serine.
Molecular consequence: missense variant.
Genome position (GRCh38, 1-based): chr10:27,100,215, G>A on the plus strand (C>T on the coding strand, the complement: ANKRD26 is on the minus strand). VCF-style: chr10-27100215-G-A. GRCh37 (hg19) VCF-style: chr10-27389144-G-A.
Other names: c.112C>T, p.Pro38Ser (NM_001256053.2); short protein forms P38S.
Identifiers: ClinVar variation 450395 (VCV000450395.15), dbSNP rs374871257, ClinGen allele CA5449059.